The following is an entry in ClinVar:

ClinVar aggregate classification (germline): Uncertain significance. Review status: criteria provided, multiple submitters, no conflicts (2 of 4 stars). 2 submissions from 2 submitters: Uncertain significance (2). Last evaluated 2024-03-25.

Conditions:
Alkaptonuria (AKU). Also called: Homogentisic acidura; HOMOGENTISIC ACID OXIDASE DEFICIENCY; Alkaptonuric ochronosis; Alcaptonuria. Identifiers: Orphanet 56, MedGen C0002066, MONDO:0008753, OMIM 203500.

Allele frequency attached by ClinVar (database versions not stated): TOPMed 0.00001.
gnomAD v4.1: 14 of 1,613,838 alleles (0.00087%); highest among the groups gnomAD compares: Non-Finnish European, 0.001%; no homozygotes.

Submissions (2):

Fulgent Genetics
Classification: Uncertain significance for Alkaptonuria. Last evaluated: 2024-03-25. Review status: criteria provided, single submitter. Criteria: ACMG Guidelines, 2015. Collection method: clinical testing. Allele origin: germline.

Women's Health and Genetics/Laboratory Corporation of America, LabCorp
Classification: Uncertain significance. Last evaluated: 2023-07-05. Review status: criteria provided, single submitter. Criteria: LabCorp Variant Classification Summary - May 2015. Collection method: clinical testing. Allele origin: germline.
Comment: Variant summary: HGD c.898G>T (p.Val300Leu) results in a conservative amino acid change located in the Homogentisate 1,2-dioxygenase, C-terminal domain (IPR046451) of the encoded protein sequence. Four of five in-silico tools predict a damaging effect of the variant on protein function. The variant allele was found at a frequency of 1.6e-05 in 251242 control chromosomes. The available data on variant occurrences in the general population are insufficient to allow any conclusion about variant significance. To our knowledge, no occurrence of c.898G>T in individuals affected with Alkaptonuria and no experimental evidence demonstrating its impact on protein function have been reported. No submitters have cited clinical-significance assessments for this variant to ClinVar after 2014. Based on the evidence outlined above, the variant was classified as uncertain significance.

NM_000187.4(HGD):c.898G>T (p.Val300Leu)

Gene: HGD (homogentisate 1,2-dioxygenase; minus strand). Cytogenetic location: 3q13.33.
Variant type: single nucleotide variant.
Coding change: c.898G>T on transcript NM_000187.4 (MANE Select); coding-DNA position 898, G replaced by T.
Protein change: p.Val300Leu; replaces valine 300 with leucine.
Molecular consequence: missense variant.
Genome position (GRCh38, 1-based): chr3:120,638,563, C>A on the plus strand (G>T on the coding strand, the complement: HGD is on the minus strand). VCF-style: chr3-120638563-C-A. GRCh37 (hg19) VCF-style: chr3-120357410-C-A.
Other names: short protein forms V300L.
Identifiers: ClinVar variation 2577235 (VCV002577235.2), dbSNP rs886905654, ClinGen allele CA81781705.